The following is an entry in ClinVar:

ClinVar aggregate classification (germline): Uncertain significance (1 of 4 stars; one submission).

Conditions:
Kleefstra syndrome 1 (KLEFS1). Identifiers: Orphanet 261494, MedGen C0795833, MONDO:0027407, OMIM 610253.

gnomAD v4.1: 6 of 1,613,114 alleles (0.00037%); highest among the groups gnomAD compares: Non-Finnish European, 0.00051%; no homozygotes.

Submission:

Labcorp Genetics (formerly Invitae), Labcorp
Classification: Uncertain significance for Kleefstra syndrome 1. Last evaluated: 2020-08-19. Review status: criteria provided, single submitter. Criteria: Invitae Variant Classification Sherloc (09022015). Collection method: clinical testing. Allele origin: germline.
Comment: In summary, the available evidence is currently insufficient to determine the role of this variant in disease. Therefore, it has been classified as a Variant of Uncertain Significance. Algorithms developed to predict the effect of missense changes on protein structure and function output the following: SIFT: "Tolerated"; PolyPhen-2: "Benign"; Align-GVGD: "Class C0". The threonine amino acid residue is found in multiple mammalian species, suggesting that this missense change does not adversely affect protein function. These predictions have not been confirmed by published functional studies and their clinical significance is uncertain. This variant has not been reported in the literature in individuals with EHMT1-related conditions. This variant is not present in population databases (ExAC no frequency). This sequence change replaces alanine with threonine at codon 994 of the EHMT1 protein (p.Ala994Thr). The alanine residue is highly conserved and there is a small physicochemical difference between alanine and threonine.

NM_024757.5(EHMT1):c.2980G>A (p.Ala994Thr)

Gene: EHMT1 (euchromatic histone lysine methyltransferase 1; plus strand). Cytogenetic location: 9q34.3.
Variant type: single nucleotide variant.
Coding change: c.2980G>A on transcript NM_024757.5 (MANE Select); coding-DNA position 2980, G replaced by A.
Protein change: p.Ala994Thr; replaces alanine 994 with threonine.
Molecular consequence: missense variant.
Genome position (GRCh38, 1-based): chr9:137,813,118, G>A. VCF-style: chr9-137813118-G-A. GRCh37 (hg19) VCF-style: chr9-140707570-G-A.
Other names: c.2959G>A, p.Ala987Thr (NM_001354263.2); short protein forms A987T, A994T.
Identifiers: ClinVar variation 1054602 (VCV001054602.9), dbSNP rs779016395, ClinGen allele CA375793612.